The following is an entry in ClinVar:

NM_006846.4(SPINK5):c.2016-295C>G

Gene: SPINK5 (serine peptidase inhibitor Kazal type 5; plus strand). Cytogenetic location: 5q32.
Variant type: single nucleotide variant.
Coding change: c.2016-295C>G on transcript NM_006846.4 (MANE Select); 295 bases into the intron before coding-DNA position 2016, C replaced by G.
Molecular consequence: intron variant.
Genome position (GRCh38, 1-based): chr5:148,116,075, C>G. VCF-style: chr5-148116075-C-G. GRCh37 (hg19) VCF-style: chr5-147495638-C-G.
Other names: c.2016-295C>G (NM_001127698.2, NM_001127699.2).
Identifiers: ClinVar variation 674282 (VCV000674282.1), dbSNP rs10056793, ClinGen allele CA128933334.

ClinVar aggregate classification (germline): Benign (1 of 4 stars; one submission).

Allele frequency attached by ClinVar (database versions not stated): gnomAD 0.05743 and 0.06162; 1000 Genomes Project 0.06010; 1000 Genomes Project 30x 0.06465; TOPMed 0.06597.
gnomAD v4.1: 8,650 of 152,106 alleles (5.7%); highest among the groups gnomAD compares: African/African-American, 20%; 826 homozygotes.

Submission:

GeneDx
Classification: Benign. Last evaluated: 2018-06-19. Review status: criteria provided, single submitter. Criteria: GeneDx Variant Classification (06012015). Collection method: clinical testing. Allele origin: germline. Affected: yes.
Comment: This variant is considered likely benign or benign based on one or more of the following criteria: it is a conservative change, it occurs at a poorly conserved position in the protein, it is predicted to be benign by multiple in silico algorithms, and/or has population frequency not consistent with disease.